The following is an entry in ClinVar:

ClinVar aggregate classification (germline): Uncertain significance (1 of 4 stars; one submission).

Conditions:
Inborn genetic diseases. Identifiers: MedGen C0950123, MeSH D030342.

Submission:

Ambry Genetics
Classification: Uncertain significance for Inborn genetic diseases. Last evaluated: 2020-03-28. Review status: criteria provided, single submitter. Criteria: Ambry Variant Classification Scheme 2023. Collection method: clinical testing. Allele origin: germline.
Comment: The alteration results in an amino acid change:_x000D_ _x000D_ The c.2375C>G (p.T792S) alteration is located in exon 7 (coding exon 6) of the NLGN3 gene. This alteration results from a C to G substitution at nucleotide position 2375, causing the threonine (T) at amino acid position 792 to be replaced by a serine (S). The alteration is not observed in population databases: _x000D_ _x000D_ Based on data from the Genome Aggregation Database (gnomAD), the NLGN3 c.2375C>G alteration was not observed, with coverage at this position. The altered amino acid is conserved throughout evolution:_x000D_ _x000D_ The p.T792 amino acid is conserved in available vertebrate species. The alteration is predicted tolerated by in silico modeling:_x000D_ _x000D_ The p.T792S alteration is predicted to be tolerated by in silico analysis. Based on insufficient or conflicting evidence, the clinical significance of this alteration remains unclear.

NM_181303.2(NLGN3):c.2435C>G (p.Thr812Ser)

Gene: NLGN3 (neuroligin 3; plus strand). Cytogenetic location: Xq13.1.
Variant type: single nucleotide variant.
Coding change: c.2435C>G on transcript NM_181303.2 (MANE Select); coding-DNA position 2435, C replaced by G.
Protein change: p.Thr812Ser; replaces threonine 812 with serine.
Molecular consequence: missense variant.
Genome position (GRCh38, 1-based): chrX:71,169,985, C>G. VCF-style: chrX-71169985-C-G. GRCh37 (hg19) VCF-style: chrX-70389835-C-G.
Other names: c.2315C>G, p.Thr772Ser (NM_001166660.2); c.2024C>G, p.Thr675Ser (NM_001321276.2); c.2375C>G, p.Thr792Ser (NM_018977.4); short protein forms T675S, T772S, T792S, T812S.
Identifiers: ClinVar variation 985520 (VCV000985520.4), dbSNP rs2092465430, ClinGen allele CA413568439.